The following is an entry in ClinVar:

ClinVar aggregate classification (germline): Uncertain significance. Review status: criteria provided, multiple submitters, no conflicts (2 of 4 stars). 4 submissions from 4 submitters: Uncertain significance (3). 1 of the submissions does not count toward it. Last evaluated 2025-11-10.

Conditions:
Short-rib thoracic dysplasia 10 with or without polydactyly (SRTD10). Identifiers: Orphanet 474, MedGen C3810175, MONDO:0014284, OMIM 615630.
Retinitis pigmentosa 71 (RP71). Identifiers: Orphanet 791, MedGen C4225342, MONDO:0014618, OMIM 616394.
Inborn genetic diseases. Identifiers: MedGen C0950123, MeSH D030342.
IFT172-related disorder. Also called: IFT172-related condition; IFT172-related disorders.

Allele frequency attached by ClinVar (database versions not stated): gnomAD exomes below 0.00001 and 0.00001; gnomAD 0.00001.
gnomAD v4.1: 11 of 1,612,574 alleles (0.00068%); highest among the groups gnomAD compares: Non-Finnish European, 0.00076%; no homozygotes.

Submissions (4):

Labcorp Genetics (formerly Invitae), Labcorp
Classification: Uncertain significance for Retinitis pigmentosa 71; Short-rib thoracic dysplasia 10 with or without polydactyly. Last evaluated: 2025-11-10. Review status: criteria provided, single submitter. Criteria: Invitae Variant Classification Sherloc (09022015). Collection method: clinical testing. Allele origin: germline.
Comment: This sequence change replaces leucine, which is neutral and non-polar, with valine, which is neutral and non-polar, at codon 1260 of the IFT172 protein (p.Leu1260Val). This variant is present in population databases (no rsID available, gnomAD 0.002%). This missense change has been observed in individual(s) with clinical features of retinitis pigmentosa (internal data). ClinVar contains an entry for this variant (Variation ID: 854217). Invitae Evidence Modeling of protein sequence and biophysical properties (such as structural, functional, and spatial information, amino acid conservation, physicochemical variation, residue mobility, and thermodynamic stability) indicates that this missense variant is not expected to disrupt IFT172 protein function with a negative predictive value of 95%. In summary, the available evidence is currently insufficient to determine the role of this variant in disease. Therefore, it has been classified as a Variant of Uncertain Significance.

Ambry Genetics
Classification: Uncertain significance for Inborn genetic diseases. Last evaluated: 2024-06-22. Review status: criteria provided, single submitter. Criteria: Ambry Variant Classification Scheme 2023. Collection method: clinical testing. Allele origin: germline.

Blueprint Genetics
Classification: Uncertain significance. Last evaluated: 2018-06-15. Review status: criteria provided, single submitter. Criteria: ACMG Guidelines, 2015. Collection method: clinical testing. Allele origin: germline.

PreventionGenetics, part of Exact Sciences
Classification: Uncertain significance for IFT172-related condition. Last evaluated: 2024-04-26. Review status: no assertion criteria provided. Collection method: clinical testing. Allele origin: germline. Not counted in ClinVar's aggregate classification.
Comment: The IFT172 c.3778C>G variant is predicted to result in the amino acid substitution p.Leu1260Val. To our knowledge, this variant has not been reported in the literature. This variant is reported in 0.0016% of alleles in individuals of European (Non-Finnish) descent in gnomAD. At this time, the clinical significance of this variant is uncertain due to the absence of conclusive functional and genetic evidence.

NM_015662.3(IFT172):c.3778C>G (p.Leu1260Val)

Genes: IFT172 (intraflagellar transport 172; minus strand), LOC126806173 (BRD4-independent group 4 enhancer GRCh37_chr2:27676057-27677256; plus strand). Cytogenetic location: 2p23.3.
Variant type: single nucleotide variant.
Coding change: c.3778C>G on transcript NM_015662.3 (MANE Select); coding-DNA position 3778, C replaced by G.
Protein change: p.Leu1260Val; replaces leucine 1260 with valine.
Molecular consequence: missense variant.
Genome position (GRCh38, 1-based): chr2:27,453,673, G>C on the plus strand (C>G on the coding strand, the complement: IFT172 is on the minus strand). VCF-style: chr2-27453673-G-C. GRCh37 (hg19) VCF-style: chr2-27676540-G-C.
Other names: short protein forms L1260V.
Identifiers: ClinVar variation 854217 (VCV000854217.13), dbSNP rs1012597627, ClinGen allele CA44489959.
Genomic context (GRCh38, chr2:27,453,673, plus strand): 5'-GACCTCTGGCCTCATACCTGGCCCCCTTCTTAGTAGCTTCCCGCTCATATTCTTCCTGCA[G>C]AGCCTCCAGCTGGCTGGGCACATAGTCCTTGCAGATGCGCAGAGCGTCACTCCATAATCC-3'
Protein context (NP_056477.1, residues 1250-1270): KDYVPSQLEA[Leu1260Val]QEEYEREATK